The following is an entry in ClinVar:

ClinVar aggregate classification (germline): Uncertain significance (1 of 4 stars; one submission).

Conditions:
Primary ciliary dyskinesia. Also called: Ciliary dyskinesia. Identifiers: Orphanet 244, MedGen C0008780, MONDO:0016575, HP:0012265.

Submission:

Labcorp Genetics (formerly Invitae), Labcorp
Classification: Uncertain significance for Primary ciliary dyskinesia. Last evaluated: 2021-08-28. Review status: criteria provided, single submitter. Criteria: Invitae Variant Classification Sherloc (09022015). Collection method: clinical testing. Allele origin: germline.
Comment: This sequence change replaces lysine with asparagine at codon 198 of the DNAH11 protein (p.Lys198Asn). The lysine residue is moderately conserved and there is a moderate physicochemical difference between lysine and asparagine. This variant is not present in population databases (ExAC no frequency). This variant has not been reported in the literature in individuals affected with DNAH11-related conditions. Algorithms developed to predict the effect of missense changes on protein structure and function are either unavailable or do not agree on the potential impact of this missense change (SIFT: "Deleterious"; PolyPhen-2: "Benign"; Align-GVGD: "Class C0"). In summary, the available evidence is currently insufficient to determine the role of this variant in disease. Therefore, it has been classified as a Variant of Uncertain Significance.

NM_001277115.2(DNAH11):c.594G>T (p.Lys198Asn)

Gene: DNAH11 (dynein axonemal heavy chain 11; plus strand). Cytogenetic location: 7p15.3.
Variant type: single nucleotide variant.
Coding change: c.594G>T on transcript NM_001277115.2 (MANE Select); coding-DNA position 594, G replaced by T.
Protein change: p.Lys198Asn; replaces lysine 198 with asparagine.
Molecular consequence: missense variant.
Genome position (GRCh38, 1-based): chr7:21,558,900, G>T. VCF-style: chr7-21558900-G-T. GRCh37 (hg19) VCF-style: chr7-21598518-G-T.
Other names: short protein forms K198N.
Identifiers: ClinVar variation 525393 (VCV000525393.6), dbSNP rs762925566, ClinGen allele CA366932466.
Genomic context (GRCh38, chr7:21,558,900, plus strand): 5'-GTCCTGGTCCTGTTTTACTTCACAAGATATGGAATATCACATAGAAGTCATGAAAAAGAA[G>T]ATGTATATTTTTAGGGGCAAAATGTCTAGAAGAACTCTTCTACCAATTCCCACTGTTGCA-3'
Protein context (NP_001264044.1, residues 188-208): MEYHIEVMKK[Lys198Asn]MYIFRGKMSR